The following is an entry in ClinVar:

ClinVar aggregate classification (germline): Likely benign. Review status: reviewed by expert panel (3 of 4 stars). 10 submissions from 10 submitters: Likely benign (1). 9 of the submissions do not count toward it. Last evaluated 2017-06-29.

Conditions:
Hereditary breast ovarian cancer syndrome. Also called: Hereditary breast and ovarian cancer syndrome (HBOC); BRCA1- and BRCA2-Associated Hereditary Breast and Ovarian Cancer; Hereditary breast and/or ovarian cancer syndrome; Hereditary breast and ovarian cancer syndrome; Hereditary breast and ovarian cancer; Breast and ovarian cancer. Identifiers: Orphanet 145, MedGen C0677776, MeSH D061325, MONDO:0003582. Disease mechanism: loss of function.
Hereditary cancer-predisposing syndrome. Also called: Neoplastic Syndromes, Hereditary; Hereditary neoplastic syndrome; Tumor predisposition; Hereditary Cancer Syndrome. Identifiers: Orphanet 140162, MedGen C0027672, MeSH D009386, MONDO:0015356.
BRCA1-related cancer predisposition. Identifiers: MedGen CN377757, MONDO:0700268.
BRCA1-related disorder. Also called: BRCA1-related condition.
Breast-ovarian cancer, familial, susceptibility to, 1 (BROVCA1). Also called: BRCA1 Hereditary Breast and Ovarian Cancer; OVARIAN CANCER, SUSCEPTIBILITY TO. Identifiers: Orphanet 145, MedGen C2676676, MONDO:0011450, OMIM 604370. Disease mechanism: loss of function.

Allele frequency attached by ClinVar (database versions not stated): gnomAD exomes below 0.00001; TOPMed 0.00001.
gnomAD v4.1: 5 of 1,614,092 alleles (0.00031%); highest among the groups gnomAD compares: Admixed American, 0.0017%; no homozygotes.

Submissions (10):

Evidence-based Network for the Interpretation of Germline Mutant Alleles (ENIGMA)
Classification: Likely benign for Breast-ovarian cancer, familial, susceptibility to, 1. Last evaluated: 2017-06-29. Review status: reviewed by expert panel. Criteria: ENIGMA BRCA1/2 Classification Criteria (2017-06-29). Collection method: curation. Allele origin: germline.
Comment: Synonymous substitution variant, with low bioinformatic likelihood to result in a splicing aberration (Splicing prior probability 0.02).

PreventionGenetics, part of Exact Sciences
Classification: Likely benign for BRCA1-related condition. Last evaluated: 2026-02-03. Review status: criteria provided, single submitter. Criteria: ACMG Guidelines, 2015. Collection method: clinical testing. Allele origin: germline. Not counted in ClinVar's aggregate classification.
Comment: This variant is classified as likely benign based on ACMG/AMP sequence variant interpretation guidelines (Richards et al. 2015 PMID: 25741868, with internal and published modifications).

All of Us Research Program, National Institutes of Health
Classification: Likely benign for BRCA1-related cancer predisposition. Last evaluated: 2024-06-11. Review status: criteria provided, single submitter. Criteria: ACMG Guidelines, 2015. Collection method: clinical testing. Allele origin: germline. Inheritance: Autosomal dominant inheritance. Observed: 1 variant allele, 1 heterozygote. Not counted in ClinVar's aggregate classification.
Comment: This study involves interpretation of variants in research participants for the purpose of population health screening. Participant phenotype was not available at the time of variant classification. Additional details can be found in publication PMID: 35346344, PMCID: PMC8962531

Labcorp Genetics (formerly Invitae), Labcorp
Classification: Likely benign for Hereditary breast ovarian cancer syndrome. Last evaluated: 2024-03-26. Review status: criteria provided, single submitter. Criteria: Invitae Variant Classification Sherloc (09022015). Collection method: clinical testing. Allele origin: germline. Not counted in ClinVar's aggregate classification.

Color Diagnostics, LLC DBA Color Health
Classification: Likely benign for Hereditary cancer-predisposing syndrome. Last evaluated: 2019-06-05. Review status: criteria provided, single submitter. Criteria: ACMG Guidelines, 2015. Collection method: clinical testing. Allele origin: germline. Not counted in ClinVar's aggregate classification.

Women's Health and Genetics/Laboratory Corporation of America, LabCorp
Classification: Likely benign. Last evaluated: 2019-04-22. Review status: criteria provided, single submitter. Criteria: LabCorp Variant Classification Summary - May 2015. Collection method: clinical testing. Allele origin: germline. Not counted in ClinVar's aggregate classification.
Comment: Variant summary: BRCA1 c.990T>C alters a conserved nucleotide resulting in a synonymous change. 5/5 computational tools predict no significant impact on normal splicing. However, these predictions have yet to be confirmed by functional studies. The variant allele was found at a frequency of 4e-06 in 251406 control chromosomes. The available data on variant occurrences in the general population are insufficient to allow any conclusion about variant significance. To our knowledge, no occurrence of c.990T>C in individuals affected with Hereditary Breast and Ovarian Cancer and no experimental evidence demonstrating its impact on protein function have been reported. Four ClinVar submissions from clinical diagnostic laboratories and an expert panel (evaluation after 2014) cite the variant as likely benign. Based on the evidence outlined above, the variant was classified as likely benign.

GeneDx
Classification: Likely benign. Last evaluated: 2018-01-24. Review status: criteria provided, single submitter. Criteria: GeneDx Variant Classification (06012015). Collection method: clinical testing. Allele origin: germline. Affected: yes. Not counted in ClinVar's aggregate classification.
Comment: This variant is considered likely benign or benign based on one or more of the following criteria: it is a conservative change, it occurs at a poorly conserved position in the protein, it is predicted to be benign by multiple in silico algorithms, and/or has population frequency not consistent with disease.

Ambry Genetics
Classification: Likely benign for Hereditary cancer-predisposing syndrome. Last evaluated: 2015-11-22. Review status: criteria provided, single submitter. Criteria: Ambry Variant Classification Scheme 2023. Collection method: clinical testing. Allele origin: germline. Not counted in ClinVar's aggregate classification.

Clinical Genetics Laboratory, Department of Pathology, Netherlands Cancer Institute
Classification: Likely benign. Review status: no assertion criteria provided. Collection method: clinical testing. Allele origin: germline. Affected: yes. Study: VKGL Data-share Consensus. Not counted in ClinVar's aggregate classification.

Joint Genome Diagnostic Labs from Nijmegen and Maastricht, Radboudumc and MUMC+
Classification: Likely benign. Review status: no assertion criteria provided. Collection method: clinical testing. Allele origin: germline. Affected: yes. Study: VKGL Data-share Consensus. Not counted in ClinVar's aggregate classification.

NM_007294.4(BRCA1):c.990T>C (p.Asp330=)

Gene: BRCA1 (BRCA1 DNA repair associated; minus strand). Cytogenetic location: 17q21.31.
Variant type: single nucleotide variant.
Coding change: c.990T>C on transcript NM_007294.4 (MANE Select); coding-DNA position 990, T replaced by C.
Protein change: p.Asp330=; no amino-acid change (aspartic acid 330 retained).
Molecular consequence: synonymous variant. On other transcripts: intron variant (137).
Genome position (GRCh38, 1-based): chr17:43,094,541, A>G on the plus strand (T>C on the coding strand, the complement: BRCA1 is on the minus strand). VCF-style: chr17-43094541-A-G. GRCh37 (hg19) VCF-style: chr17-41246558-A-G.
Other names: c.777T>C, p.Asp259= (NM_001407571.1, NM_001407853.1, NM_001407894.1 and 9 more transcripts); c.990T>C, p.Asp330= (NM_001407581.1, NM_001407582.1, NM_001407583.1 and 30 more transcripts); c.987T>C, p.Asp329= (NM_001407587.1, NM_001407590.1, NM_001407591.1 and 22 more transcripts); c.981T>C, p.Asp327= (NM_001407646.1, NM_001407647.1); c.867T>C, p.Asp289= (NM_001407648.1, NM_001407664.1, NM_001407665.1 and 19 more transcripts); c.864T>C, p.Asp288= (NM_001407649.1, NM_001407670.1, NM_001407671.1 and 11 more transcripts); c.912T>C, p.Asp304= (NM_001407653.1, NM_001407654.1, NM_001407655.1 and 4 more transcripts); c.909T>C, p.Asp303= (NM_001407659.1, NM_001407660.1, NM_001407661.1 and 1 more transcripts); and 40 more.
Identifiers: ClinVar variation 427264 (VCV000427264.25), dbSNP rs978690648, ClinGen allele CA290846361.